The following is an entry in ClinVar:

NM_000138.5(FBN1):c.2245A>G (p.Ile749Val)

Gene: FBN1 (fibrillin 1; minus strand). Cytogenetic location: 15q21.1.
Variant type: single nucleotide variant.
Coding change: c.2245A>G on transcript NM_000138.5 (MANE Select); coding-DNA position 2245, A replaced by G.
Protein change: p.Ile749Val; replaces isoleucine 749 with valine.
Molecular consequence: missense variant.
Genome position (GRCh38, 1-based): chr15:48,497,314, T>C on the plus strand (A>G on the coding strand, the complement: FBN1 is on the minus strand). VCF-style: chr15-48497314-T-C. GRCh37 (hg19) VCF-style: chr15-48789511-T-C.
Other names: short protein forms I749V.
Identifiers: ClinVar variation 457170 (VCV000457170.11), dbSNP rs1555399370, ClinGen allele CA392335685.

ClinVar aggregate classification (germline): Uncertain significance. Review status: criteria provided, multiple submitters, no conflicts (2 of 4 stars). 3 submissions from 3 submitters: Uncertain significance (3). Last evaluated 2025-07-07.

Conditions:
Marfan syndrome (MFS). Also called: MARFAN SYNDROME, TYPE I; FBN1-Related Marfan Syndrome; Marfan syndrome type 1; Marfan's syndrome; Marfan syndrome, classic. Identifiers: Orphanet 284963, Orphanet 558, MedGen C0024796, MONDO:0007947, OMIM 154700.
Familial thoracic aortic aneurysm and aortic dissection (TAAD). Also called: Thoracic aortic aneurysms and dissections. Identifiers: Orphanet 91387, MedGen C4707243, MONDO:0019625.

Allele frequency attached by ClinVar (database versions not stated): gnomAD exomes below 0.00001.
gnomAD v4.1: 2 of 1,614,042 alleles (0.00012%); highest among the groups gnomAD compares: East Asian, 0.0045%; no homozygotes.

Submissions (3):

Color Diagnostics, LLC DBA Color Health
Classification: Uncertain significance for Familial thoracic aortic aneurysm and aortic dissection. Last evaluated: 2025-07-07. Review status: criteria provided, single submitter. Criteria: ACMG Guidelines, 2015. Collection method: clinical testing. Allele origin: germline.
Comment: This missense variant replaces isoleucine with valine at codon 749 of the FBN1 protein. Computational prediction suggests that this variant may not impact protein structure and function. To our knowledge, functional studies have not been reported for this variant. This variant has not been reported in individuals affected with FBN1-related disorders in the literature. This variant has not been identified in the general population by the Genome Aggregation Database (gnomAD). The available evidence is insufficient to determine the role of this variant in disease conclusively. Therefore, this variant is classified as a Variant of Uncertain Significance.

Labcorp Genetics (formerly Invitae), Labcorp
Classification: Uncertain significance for Marfan syndrome; Familial thoracic aortic aneurysm and aortic dissection. Last evaluated: 2025-05-12. Review status: criteria provided, single submitter. Criteria: Invitae Variant Classification Sherloc (09022015). Collection method: clinical testing. Allele origin: germline.
Comment: This sequence change replaces isoleucine, which is neutral and non-polar, with valine, which is neutral and non-polar, at codon 749 of the FBN1 protein (p.Ile749Val). This variant is not present in population databases (gnomAD no frequency). This variant has not been reported in the literature in individuals affected with FBN1-related conditions. ClinVar contains an entry for this variant (Variation ID: 457170). Invitae Evidence Modeling of protein sequence and biophysical properties (such as structural, functional, and spatial information, amino acid conservation, physicochemical variation, residue mobility, and thermodynamic stability) indicates that this missense variant is not expected to disrupt FBN1 protein function with a negative predictive value of 95%. In summary, the available evidence is currently insufficient to determine the role of this variant in disease. Therefore, it has been classified as a Variant of Uncertain Significance.

CHEO Genetics Diagnostic Laboratory, Children's Hospital of Eastern Ontario
Classification: Uncertain significance for Familial thoracic aortic aneurysm and aortic dissection. Last evaluated: 2022-09-09. Review status: criteria provided, single submitter. Criteria: ACMG Guidelines, 2015. Collection method: clinical testing. Allele origin: germline.